The following is an entry in ClinVar:

NM_000051.4(ATM):c.3315C>T (p.Ser1105=)

Gene: ATM (ATM serine/threonine kinase; plus strand). Cytogenetic location: 11q22.3.
Variant type: single nucleotide variant.
Coding change: c.3315C>T on transcript NM_000051.4 (MANE Select); coding-DNA position 3315, C replaced by T.
Protein change: p.Ser1105=; no amino-acid change (serine 1105 retained).
Molecular consequence: synonymous variant.
Genome position (GRCh38, 1-based): chr11:108,279,521, C>T. VCF-style: chr11-108279521-C-T. GRCh37 (hg19) VCF-style: chr11-108150248-C-T.
Other names: c.3315C>T, p.Ser1105= (NM_001351834.2).
Identifiers: ClinVar variation 1730127 (VCV001730127.9), dbSNP rs1565439055, ClinGen allele CA476672665.

ClinVar aggregate classification (germline): Benign/Likely benign. Review status: criteria provided, multiple submitters, no conflicts (2 of 4 stars). 4 submissions from 4 submitters: Benign (1); Likely benign (3). Last evaluated 2024-05-14.

Conditions:
Familial cancer of breast. Also called: hereditary breast carcinoma; BREAST CANCER, FAMILIAL; Hereditary breast cancer. Identifiers: Orphanet 227535, MedGen C0346153, MONDO:0016419, OMIM 114480. Disease mechanism: loss of function.
Hereditary cancer-predisposing syndrome. Also called: Hereditary neoplastic syndrome; Hereditary Cancer Syndrome; Tumor predisposition; Neoplastic Syndromes, Hereditary. Identifiers: Orphanet 140162, MedGen C0027672, MeSH D009386, MONDO:0015356.
Ataxia-telangiectasia syndrome (AT). Also called: LOUIS-BAR SYNDROME; Ataxia-telangiectasia, complementation group D; AT, COMPLEMENTATION GROUP C; ATAXIA-TELANGIECTASIA, COMPLEMENTATION GROUP A; ATAXIA-TELANGIECTASIA, FRESNO VARIANT; Ataxia-telangiectasia, complementation group E. Identifiers: Orphanet 100, MedGen C0004135, MONDO:0008840, OMIM 208900.

Submissions (4):

Myriad Genetics, Inc.
Classification: Benign for Familial cancer of breast. Last evaluated: 2024-05-14. Review status: criteria provided, single submitter. Criteria: Myriad Autosomal Dominant, Autosomal Recessive and X-Linked Classification Criteria (2023). Collection method: clinical testing. Allele origin: unknown.
Comment: This variant is considered benign. This variant is a silent/synonymous amino acid change and it is not expected to impact splicing.

Blueprint Genetics
Classification: Likely benign. Last evaluated: 2023-06-15. Review status: criteria provided, single submitter. Criteria: ACMG Guidelines, 2015. Collection method: clinical testing. Allele origin: germline.

Labcorp Genetics (formerly Invitae), Labcorp
Classification: Likely benign for Ataxia-telangiectasia syndrome. Last evaluated: 2022-07-03. Review status: criteria provided, single submitter. Criteria: Invitae Variant Classification Sherloc (09022015). Collection method: clinical testing. Allele origin: germline.

Ambry Genetics
Classification: Likely benign for Hereditary cancer-predisposing syndrome. Last evaluated: 2021-02-22. Review status: criteria provided, single submitter. Criteria: Ambry Variant Classification Scheme 2023. Collection method: clinical testing. Allele origin: germline.